The following is an entry in ClinVar:

NM_001134407.3(GRIN2A):c.226C>T (p.Arg76Cys)

Gene: GRIN2A (glutamate ionotropic receptor NMDA type subunit 2A; minus strand). Cytogenetic location: 16p13.2.
Variant type: single nucleotide variant.
Coding change: c.226C>T on transcript NM_001134407.3 (MANE Select); coding-DNA position 226, C replaced by T.
Protein change: p.Arg76Cys; replaces arginine 76 with cysteine.
Molecular consequence: missense variant.
Genome position (GRCh38, 1-based): chr16:10,180,186, G>A on the plus strand (C>T on the coding strand, the complement: GRIN2A is on the minus strand). VCF-style: chr16-10180186-G-A. GRCh37 (hg19) VCF-style: chr16-10274043-G-A.
Other names: c.226C>T, p.Arg76Cys (NM_000833.5, NM_001134408.2); short protein forms R76C.
Identifiers: ClinVar variation 1315394 (VCV001315394.2), dbSNP rs1236030143, ClinGen allele CA394715474.

ClinVar aggregate classification (germline): Uncertain significance (1 of 4 stars; one submission).

Allele frequency attached by ClinVar (database versions not stated): gnomAD exomes below 0.00001; gnomAD 0.00001; TOPMed 0.00001.
gnomAD v4.1: 2 of 1,614,064 alleles (0.00012%); highest among the groups gnomAD compares: East Asian, 0.0022%; no homozygotes.

Submission:

GeneDx
Classification: Uncertain significance. Last evaluated: 2020-02-05. Review status: criteria provided, single submitter. Criteria: GeneDx Variant Classification Process June 2021. Collection method: clinical testing. Allele origin: germline. Affected: yes.
Comment: Not observed at a significant frequency in large population cohorts (Lek et al., 2016); In silico analysis supports that this missense variant does not alter protein structure/function; Has not been previously published as pathogenic or benign to our knowledge